The following is an entry in ClinVar:

NM_015570.4(AUTS2):c.2990C>G (p.Pro997Arg)

Gene: AUTS2 (activator of transcription and developmental regulator AUTS2; plus strand). Cytogenetic location: 7q11.22.
Variant type: single nucleotide variant.
Coding change: c.2990C>G on transcript NM_015570.4 (MANE Select); coding-DNA position 2990, C replaced by G.
Protein change: p.Pro997Arg; replaces proline 997 with arginine.
Molecular consequence: missense variant.
Genome position (GRCh38, 1-based): chr7:70,790,206, C>G. VCF-style: chr7-70790206-C-G. GRCh37 (hg19) VCF-style: chr7-70255192-C-G.
Other names: c.2918C>G, p.Pro973Arg (NM_001127231.3); short protein forms P973R, P997R.
Identifiers: ClinVar variation 2987113 (VCV002987113.3), dbSNP rs374548780, ClinGen allele CA160016256.
Genomic context (GRCh38, chr7:70,790,206, plus strand): 5'-GCTCCGAGGTCAAGGTGAAGGAGGAGCGGAAGGAAGACCATGACCTGCCTCCAGAGGCCC[C>G]GCAGACCCACCGGGCCTCGGAGCCGCCGCCTCCCAACTCCTCGTCCAGCGTGCACCCGGG-3'
Protein context (NP_056385.1, residues 987-1007): KEDHDLPPEA[Pro997Arg]QTHRASEPPP

ClinVar aggregate classification (germline): Uncertain significance (1 of 4 stars; one submission).

gnomAD v4.1: 4 of 1,612,538 alleles (0.00025%); highest among the groups gnomAD compares: Non-Finnish European, 0.00034%; no homozygotes.

Submission:

Labcorp Genetics (formerly Invitae), Labcorp
Classification: Uncertain significance. Last evaluated: 2023-06-20. Review status: criteria provided, single submitter. Criteria: Invitae Variant Classification Sherloc (09022015). Collection method: clinical testing. Allele origin: germline.
Comment: In summary, the available evidence is currently insufficient to determine the role of this variant in disease. Therefore, it has been classified as a Variant of Uncertain Significance. Advanced modeling of protein sequence and biophysical properties (such as structural, functional, and spatial information, amino acid conservation, physicochemical variation, residue mobility, and thermodynamic stability) performed at Invitae indicates that this missense variant is not expected to disrupt AUTS2 protein function. This variant has not been reported in the literature in individuals affected with AUTS2-related conditions. This variant is not present in population databases (gnomAD no frequency). This sequence change replaces proline, which is neutral and non-polar, with arginine, which is basic and polar, at codon 997 of the AUTS2 protein (p.Pro997Arg).